The following is an entry in ClinVar:

NM_015338.6(ASXL1):c.4102A>C (p.Lys1368Gln)

Gene: ASXL1 (ASXL transcriptional regulator 1; plus strand). Cytogenetic location: 20q11.21.
Variant type: single nucleotide variant.
Coding change: c.4102A>C on transcript NM_015338.6 (MANE Select); coding-DNA position 4102, A replaced by C.
Protein change: p.Lys1368Gln; replaces lysine 1368 with glutamine.
Molecular consequence: missense variant.
Genome position (GRCh38, 1-based): chr20:32,436,814, A>C. VCF-style: chr20-32436814-A-C. GRCh37 (hg19) VCF-style: chr20-31024617-A-C.
Other names: c.3919A>C, p.Lys1307Gln (NM_001363734.1); short protein forms K1307Q, K1368Q.
Identifiers: ClinVar variation 4827431 (VCV004827431.1).

ClinVar aggregate classification (germline): Uncertain significance (1 of 4 stars; one submission).

Conditions:
Inborn genetic diseases. Identifiers: MedGen C0950123, MeSH D030342.

Submission:

Ambry Genetics
Classification: Uncertain significance for Inborn genetic diseases. Last evaluated: 2026-03-11. Review status: criteria provided, single submitter. Criteria: Ambry Variant Classification Scheme 2023. Collection method: clinical testing. Allele origin: germline.
Comment: The p.K1368Q variant (also known as c.4102A>C), located in coding exon 13 of the ASXL1 gene, results from an A to C substitution at nucleotide position 4102. The lysine at codon 1368 is replaced by glutamine, an amino acid with similar properties. This amino acid position is conserved. In addition, this alteration is predicted to be tolerated by in silico analysis. Based on the available evidence, the clinical significance of this variant remains unclear.